The following is an entry in ClinVar:

ClinVar aggregate classification (germline): Likely benign. Review status: criteria provided, single submitter (1 of 4 stars). 2 submissions from 2 submitters: Likely benign (1). 1 of the submissions does not count toward it. Last evaluated 2019-12-31.

Conditions:
GTF2IRD1-related disorder. Also called: GTF2IRD1-related condition.

Allele frequency attached by ClinVar (database versions not stated): gnomAD exomes 0.00007 and 0.00019; ExAC 0.00028; TOPMed 0.00077; gnomAD 0.00086 and 0.00093; ESP Exome Variant Server 0.00100; 1000 Genomes Project 30x 0.00125; 1000 Genomes Project 0.00140.
gnomAD v4.1: 236 of 1,612,200 alleles (0.015%); highest among the groups gnomAD compares: African/African-American, 0.3%; no homozygotes.

Submissions (2):

Labcorp Genetics (formerly Invitae), Labcorp
Classification: Likely benign. Last evaluated: 2019-12-31. Review status: criteria provided, single submitter. Criteria: Invitae Variant Classification Sherloc (09022015). Collection method: clinical testing. Allele origin: germline.

PreventionGenetics, part of Exact Sciences
Classification: Likely benign for GTF2IRD1-related condition. Last evaluated: 2022-03-15. Review status: no assertion criteria provided. Collection method: clinical testing. Allele origin: germline. Not counted in ClinVar's aggregate classification.
Comment: This variant is classified as likely benign based on ACMG/AMP sequence variant interpretation guidelines (Richards et al. 2015 PMID: 25741868, with internal and published modifications).

NM_005685.4(GTF2IRD1):c.758T>C (p.Met253Thr)

Gene: GTF2IRD1 (GTF2I repeat domain containing 1; plus strand). Cytogenetic location: 7q11.23.
Variant type: single nucleotide variant.
Coding change: c.758T>C on transcript NM_005685.4 (MANE Select); coding-DNA position 758, T replaced by C.
Protein change: p.Met253Thr; replaces methionine 253 with threonine.
Molecular consequence: missense variant.
Genome position (GRCh38, 1-based): chr7:74,519,561, T>C. VCF-style: chr7-74519561-T-C. GRCh37 (hg19) VCF-style: chr7-73933891-T-C.
Other names: c.854T>C, p.Met285Thr (NM_001199207.2); c.758T>C, p.Met253Thr (NM_016328.3); c.854T>C (NM_001199207.1); short protein forms M285T, M253T.
Identifiers: ClinVar variation 784115 (VCV000784115.6), dbSNP rs140630041, ClinGen allele CA4296607.
Genomic context (GRCh38, chr7:74,519,561, plus strand): 5'-ATGGCCAGGCCCCCAAGGTGCCACCCCAGGACCTGCCCCCAACCGCCACCTCCTCCTCCA[T>C]GGCCAGCTTCCTGTACAGCACGGCGCTCCCCAACCACGCCATCCGAGAGCTCAAGCAGGA-3'
Protein context (NP_005676.3, residues 243-263): DLPPTATSSS[Met253Thr]ASFLYSTALP